The following is an entry in ClinVar:

NM_001244926.2(PRPF4):c.464_465delinsCG (p.Lys155Thr)

Gene: PRPF4 (pre-mRNA splicing tri-snRNP complex factor PRPF4; plus strand). Cytogenetic location: 9q32.
Variant type: Indel.
Coding change: c.464_465delinsCG on transcript NM_001244926.2 (MANE Select); coding-DNA positions 464 to 465, AA replaced by CG.
Protein change: p.Lys155Thr; replaces lysine 155 with threonine.
Molecular consequence: missense variant. On other transcripts: 5 prime UTR variant (2), non-coding transcript variant (2).
Genome position (GRCh38, 1-based): chr9:113,282,717-113,282,718, AA replaced by CG. VCF-style: chr9-113282717-AA-CG. GRCh37 (hg19) VCF-style: chr9-116044997-AA-CG.
Other names: c.-302_-301delinsCG (NM_001322266.2, NM_001322267.2); c.467_468delinsCG, p.Lys156Thr (NM_004697.5); short protein forms K156T, K155T.
Identifiers: ClinVar variation 3652486 (VCV003652486.2).
Genomic context (GRCh38, chr9:113,282,717, plus strand): 5'-TCCTCTCAGTTGTCGGTACTGATGCCTTGAAAAAGACCAAAAAGGATGATGAGAAGTCTA[AA>CG]AAGTCCAAAGAAGAGGTAGAACATGTCTTTAACTTCACAGTATAAACATGAAGGAAATGA-3'
Protein context (NP_001231855.1, residues 145-165): KKTKKDDEKS[Lys155Thr]KSKEEYQQTW

ClinVar aggregate classification (germline): Uncertain significance (1 of 4 stars; one submission).

Submission:

Labcorp Genetics (formerly Invitae), Labcorp
Classification: Uncertain significance. Last evaluated: 2024-05-07. Review status: criteria provided, single submitter. Criteria: Invitae Variant Classification Sherloc (09022015). Collection method: clinical testing. Allele origin: germline.
Comment: This sequence change replaces lysine, which is basic and polar, with threonine, which is neutral and polar, at codon 156 of the PRPF4 protein (p.Lys156Thr). Information on the frequency of this variant in the gnomAD database is not available, as this variant may be reported differently in the database. This variant has not been reported in the literature in individuals affected with PRPF4-related conditions. An algorithm developed to predict the effect of missense changes on protein structure and function (PolyPhen-2) suggests that this variant is likely to be tolerated. In summary, the available evidence is currently insufficient to determine the role of this variant in disease. Therefore, it has been classified as a Variant of Uncertain Significance.